The following is an entry in ClinVar:

NM_003872.3(NRP2):c.527C>T (p.Thr176Ile)

Gene: NRP2 (neuropilin 2; plus strand). Cytogenetic location: 2q33.3.
Variant type: single nucleotide variant.
Coding change: c.527C>T on transcript NM_003872.3 (MANE Select); coding-DNA position 527, C replaced by T.
Protein change: p.Thr176Ile; replaces threonine 176 with isoleucine.
Molecular consequence: missense variant.
Genome position (GRCh38, 1-based): chr2:205,722,571, C>T. VCF-style: chr2-205722571-C-T. GRCh37 (hg19) VCF-style: chr2-206587295-C-T.
Other names: c.527C>T, p.Thr176Ile (NM_018534.4, NM_201264.2, NM_201266.2 and 2 more transcripts); short protein forms T176I.
Identifiers: ClinVar variation 3354544 (VCV003354544.1).
Genomic context (GRCh38, chr2:205,722,571, plus strand): 5'-CCAACGGGACCATCGAATCTCCTGGGTTTCCTGAGAAGTATCCACACAACTTGGACTGCA[C>T]CTTTACCATCCTGGCCAAACCCAAGATGGAGATCATCCTGCAGTTCCTGATCTTTGACCT-3'
Protein context (NP_003863.2, residues 166-186): PEKYPHNLDC[Thr176Ile]FTILAKPKME

ClinVar aggregate classification (germline): Uncertain significance (0 of 4 stars; one submission).

Conditions:
NRP2-related disorder. Also called: NRP2-related condition.

gnomAD v4.1: 6 of 1,614,208 alleles (0.00037%); highest among the groups gnomAD compares: Non-Finnish European, 0.00034%; no homozygotes.

Submission:

PreventionGenetics, part of Exact Sciences
Classification: Uncertain significance for NRP2-related condition. Last evaluated: 2024-08-05. Review status: no assertion criteria provided. Collection method: clinical testing. Allele origin: germline.
Comment: The NRP2 c.527C>T variant is predicted to result in the amino acid substitution p.Thr176Ile. To our knowledge, this variant has not been reported in the literature. This variant is reported in 0.00088% of alleles in individuals of European (Non-Finnish) descent in gnomAD. At this time, the clinical significance of this variant is uncertain due to the absence of conclusive functional and genetic evidence.